The following is an entry in ClinVar:

NM_001267550.2(TTN):c.100572A>C (p.Lys33524Asn)

Genes: TTN (titin; minus strand), TTN-AS1 (TTN antisense RNA 1; plus strand). Cytogenetic location: 2q31.2.
Variant type: single nucleotide variant.
Coding change: c.100572A>C on transcript NM_001267550.2 (MANE Select); coding-DNA position 100572, A replaced by C.
Protein change: p.Lys33524Asn; replaces lysine 33524 with asparagine.
Molecular consequence: missense variant.
Genome position (GRCh38, 1-based): chr2:178,536,175, T>G on the plus strand (A>C on the coding strand, the complement: TTN is on the minus strand). VCF-style: chr2-178536175-T-G. GRCh37 (hg19) VCF-style: chr2-179400902-T-G.
Other names: c.95649A>C, p.Lys31883Asn (NM_001256850.1); c.73377A>C, p.Lys24459Asn (NM_003319.4); c.92868A>C, p.Lys30956Asn (NM_133378.4); c.73752A>C, p.Lys24584Asn (NM_133432.3); c.73953A>C, p.Lys24651Asn (NM_133437.4); short protein forms K24459N, K24584N, K30956N, K31883N, K24651N, K33524N.
Identifiers: ClinVar variation 1810635 (VCV001810635.1), dbSNP rs2468608599, ClinGen allele CA349425424.

ClinVar aggregate classification (germline): Uncertain significance (1 of 4 stars; one submission).

Submission:

GeneDx
Classification: Uncertain significance. Last evaluated: 2022-07-05. Review status: criteria provided, single submitter. Criteria: GeneDx Variant Classification Process June 2021. Collection method: clinical testing. Allele origin: germline. Affected: yes.
Comment: Not observed at significant frequency in large population cohorts (gnomAD); Missense variant in a gene in which most reported pathogenic variants are truncating/loss of function; Has not been previously published as pathogenic or benign to our knowledge